The following is an entry in ClinVar:

ClinVar aggregate classification (germline): Uncertain significance (1 of 4 stars; one submission).

Submission:

Labcorp Genetics (formerly Invitae), Labcorp
Classification: Uncertain significance. Last evaluated: 2022-09-04. Review status: criteria provided, single submitter. Criteria: Invitae Variant Classification Sherloc (09022015). Collection method: clinical testing. Allele origin: germline.
Comment: This sequence change replaces histidine, which is basic and polar, with glutamine, which is neutral and polar, at codon 456 of the MYH3 protein (p.His456Gln). This variant is not present in population databases (gnomAD no frequency). This variant has not been reported in the literature in individuals affected with MYH3-related conditions. Algorithms developed to predict the effect of missense changes on protein structure and function are either unavailable or do not agree on the potential impact of this missense change (SIFT: "Deleterious"; PolyPhen-2: "Probably Damaging"; Align-GVGD: "Class C0"). In summary, the available evidence is currently insufficient to determine the role of this variant in disease. Therefore, it has been classified as a Variant of Uncertain Significance.

NM_002470.4(MYH3):c.1368C>G (p.His456Gln)

Gene: MYH3 (myosin heavy chain 3; minus strand). Cytogenetic location: 17p13.1.
Variant type: single nucleotide variant.
Coding change: c.1368C>G on transcript NM_002470.4 (MANE Select); coding-DNA position 1368, C replaced by G.
Protein change: p.His456Gln; replaces histidine 456 with glutamine.
Molecular consequence: missense variant.
Genome position (GRCh38, 1-based): chr17:10,644,393, G>C on the plus strand (C>G on the coding strand, the complement: MYH3 is on the minus strand). VCF-style: chr17-10644393-G-C. GRCh37 (hg19) VCF-style: chr17-10547710-G-C.
Other names: short protein forms H456Q.
Identifiers: ClinVar variation 1716075 (VCV001716075.5), dbSNP rs755609174, ClinGen allele CA398174728.
Genomic context (GRCh38, chr17:10,644,393, plus strand): 5'-AATATAAGTAACACAAACCTCAAAGATTTCAAAGCCTGCAATGTCCAAAACACCAATGAA[G>C]TGTTGTCTTGGAAGCTTCGTATCCAGTTGCTGGTTAATGCGAGTGACCATCCACAAGAAC-3'
Protein context (NP_002461.2, residues 446-466): QQLDTKLPRQ[His456Gln]FIGVLDIAGF